The following is an entry in ClinVar:

ClinVar aggregate classification (germline): Uncertain significance. Review status: criteria provided, multiple submitters, no conflicts (2 of 4 stars). 2 submissions from 2 submitters: Uncertain significance (2). Last evaluated 2022-02-26.

Allele frequency attached by ClinVar (database versions not stated): gnomAD exomes below 0.00001.
gnomAD v4.1: 6 of 1,614,128 alleles (0.00037%); highest among the groups gnomAD compares: Non-Finnish European, 0.00051%; no homozygotes.

Submissions (2):

Ambry Genetics
Classification: Uncertain significance. Last evaluated: 2022-02-26. Review status: criteria provided, single submitter. Criteria: Ambry Variant Classification Scheme 2023. Collection method: clinical testing. Allele origin: germline.
Comment: The p.I1071M variant (also known as c.3213T>G), located in coding exon 18 of the PALLD gene, results from a T to G substitution at nucleotide position 3213. The isoleucine at codon 1071 is replaced by methionine, an amino acid with highly similar properties. This amino acid position is conserved. In addition, the in silico prediction for this alteration is inconclusive. Since supporting evidence is limited at this time, the clinical significance of this alteration remains unclear.

GeneDx
Classification: Uncertain significance. Last evaluated: 2014-02-01. Review status: criteria provided, single submitter. Criteria: GeneDx Variant Classification (06012015). Collection method: clinical testing. Allele origin: germline. Affected: yes.
Comment: PALLD has been only recently described in association with cancer predisposition and the risks are not well understood. This variant is denoted PALLD c.3213T>G at the cDNA level, p.Ile1071Met (I1071M) at the protein level, and results in the change of an Isoleucine to a Methionine (ATT>ATG). This variant has not, to our knowledge, been published in the literature as pathogenic or benign. PALLD Ile1071Met was not observed in approximately 6,500 individuals of European and African American ancestry in the NHLBI Exome Sequencing Project. This variant is a conservative amino acid substitution, altering a position that is well conserved throughout evolution and is located in within the Ig-like C2-type 3 domain. Multiple in silico algorithms predict that this variant may be damaging to protein structure and function. On a molecular level, the impact of this missense variant on protein structure and function is not known and thus we consider this to be a variant of uncertain significance. Furthermore, based on the currently available information, cancer risks associated with this variant, and the PALLD gene, remain unclear.

NM_001166108.2(PALLD):c.3264T>G (p.Ile1088Met)

Genes: CBR4 (carbonyl reductase 4; minus strand), PALLD (palladin, cytoskeletal associated protein; plus strand). Cytogenetic location: 4q32.3.
Variant type: single nucleotide variant.
Coding change: c.3264T>G on transcript NM_001166108.2 (MANE Select); coding-DNA position 3264, T replaced by G.
Protein change: p.Ile1088Met; replaces isoleucine 1088 with methionine.
Molecular consequence: missense variant.
Genome position (GRCh38, 1-based): chr4:168,924,984, T>G. VCF-style: chr4-168924984-T-G. GRCh37 (hg19) VCF-style: chr4-169846135-T-G.
Other names: p.I1071M:ATT>ATG; c.2067T>G, p.Ile689Met (NM_001166109.2); c.1752T>G, p.Ile584Met (NM_001166110.2); c.1092T>G, p.Ile364Met (NM_001367567.1, NM_001367569.1); c.1143T>G, p.Ile381Met (NM_001367568.1, NM_001367570.1); c.3213T>G, p.Ile1071Met (NM_016081.4); short protein forms I1071M, I364M, I689M, I381M, I584M, I1088M.
Identifiers: ClinVar variation 128108 (VCV000128108.4), dbSNP rs587780201, ClinGen allele CA288367.